The following is an entry in ClinVar:

NM_198075.4(LRRC56):c.1157G>C (p.Arg386Thr)

Gene: LRRC56 (leucine rich repeat containing 56; plus strand). Cytogenetic location: 11p15.5.
Variant type: single nucleotide variant.
Coding change: c.1157G>C on transcript NM_198075.4 (MANE Select); coding-DNA position 1157, G replaced by C.
Protein change: p.Arg386Thr; replaces arginine 386 with threonine.
Molecular consequence: missense variant.
Genome position (GRCh38, 1-based): chr11:552,208, G>C. VCF-style: chr11-552208-G-C. GRCh37 (hg19) VCF-style: chr11-552208-G-C.
Other names: short protein forms R386T.
Identifiers: ClinVar variation 3009135 (VCV003009135.3), dbSNP rs1852436136, ClinGen allele CA378950188.

ClinVar aggregate classification (germline): Uncertain significance (1 of 4 stars; one submission).

Allele frequency attached by ClinVar (database versions not stated): gnomAD exomes below 0.00001; TOPMed below 0.00001.
gnomAD v4.1: 1 of 1,612,002 alleles (0.000062%); no homozygotes.

Submission:

Labcorp Genetics (formerly Invitae), Labcorp
Classification: Uncertain significance. Last evaluated: 2025-01-01. Review status: criteria provided, single submitter. Criteria: Invitae Variant Classification Sherloc (09022015). Collection method: clinical testing. Allele origin: germline.
Comment: This sequence change replaces arginine, which is basic and polar, with threonine, which is neutral and polar, at codon 386 of the LRRC56 protein (p.Arg386Thr). This variant is not present in population databases (gnomAD no frequency). This variant has not been reported in the literature in individuals affected with LRRC56-related conditions. ClinVar contains an entry for this variant (Variation ID: 3009135). Invitae Evidence Modeling of protein sequence and biophysical properties (such as structural, functional, and spatial information, amino acid conservation, physicochemical variation, residue mobility, and thermodynamic stability) indicates that this missense variant is not expected to disrupt LRRC56 protein function with a negative predictive value of 80%. In summary, the available evidence is currently insufficient to determine the role of this variant in disease. Therefore, it has been classified as a Variant of Uncertain Significance.